The following is an entry in ClinVar:

ClinVar aggregate classification (germline): Pathogenic (1 of 4 stars; one submission).

Conditions:
Gorlin syndrome. Also called: Nevoid Basal Cell Carcinoma Syndrome; Basal cell nevus syndrome. Identifiers: Orphanet 377, MedGen C0004779, MONDO:0007187.

Submission:

3billion
Classification: Pathogenic for Basal cell nevus syndrome 1. Last evaluated: 2023-02-23. Review status: criteria provided, single submitter. Criteria: ACMG Guidelines, 2015. Collection method: clinical testing. Allele origin: unknown. Affected: yes.
Comment: The variant is not observed in the gnomAD v2.1.1 dataset. This variant was predicted to result in a loss or disruption of normal protein function through nonsense-mediated decay (NMD) or protein truncation. Multiple pathogenic variants are reported downstream of the variant. The variant has been reported to be associated with PTCH1 -related disorder (PMID: 16301862). Therefore, this variant is classified as Pathogenic according to the recommendation of ACMG/AMP guideline.

Literature cited by the submitters: PubMed 16301862.

NM_000264.5(PTCH1):c.2924del (p.Pro975fs)

Gene: PTCH1 (patched 1; minus strand). Cytogenetic location: 9q22.32.
Variant type: Deletion.
Coding change: c.2924del on transcript NM_000264.5 (MANE Select); coding-DNA position 2924, one base deleted (C; older notation c.2924delC).
Protein change: p.Pro975fs; shifts the reading frame from proline 975.
Molecular consequence: frameshift variant. On other transcripts: non-coding transcript variant (1).
Genome position (GRCh38, 1-based): chr9:95,458,257, G deleted on the plus strand (C on the coding strand, the reverse complement: PTCH1 is on the minus strand); the first of 3 consecutive G bases (chr9:95,458,257-95,458,259); deleting any one gives the same sequence. VCF-style (leftmost placement, unchanged base first): chr9-95458256-AG-A. GRCh37 (hg19) VCF-style: chr9-98220538-AG-A.
Other names: c.2726del, p.Pro909fs (NM_001083602.3); c.2921del, p.Pro974fs (NM_001083603.3); c.2471del, p.Pro824fs (NM_001083604.3, NM_001083605.3, NM_001083606.3 and 1 more transcripts); c.2768del, p.Pro923fs (NM_001354918.2); short protein forms P824fs, P909fs, P923fs, P974fs, P975fs.
Identifiers: ClinVar variation 2444402 (VCV002444402.1), dbSNP rs2538069724, ClinGen allele CA2580080771.